The following is an entry in ClinVar:

ClinVar aggregate classification (germline): Conflicting classifications of pathogenicity. Review status: criteria provided, conflicting classifications (1 of 4 stars). 2 submissions from 2 submitters: Uncertain significance (1); Likely benign (1). Last evaluated 2022-11-30.

Conditions:
Hereditary cancer-predisposing syndrome. Also called: Tumor predisposition; Hereditary neoplastic syndrome; Neoplastic Syndromes, Hereditary; Hereditary Cancer Syndrome. Identifiers: Orphanet 140162, MedGen C0027672, MeSH D009386, MONDO:0015356.
Gorlin syndrome. Also called: Nevoid Basal Cell Carcinoma Syndrome; Basal cell nevus syndrome. Identifiers: Orphanet 377, MedGen C0004779, MONDO:0007187.

Submissions (2):

Ambry Genetics
Classification: Likely benign for Hereditary cancer-predisposing syndrome. Last evaluated: 2022-11-30. Review status: criteria provided, single submitter. Criteria: Ambry Variant Classification Scheme 2023. Collection method: clinical testing. Allele origin: germline.

Labcorp Genetics (formerly Invitae), Labcorp
Classification: Uncertain significance for Gorlin syndrome. Last evaluated: 2019-05-24. Review status: criteria provided, single submitter. Criteria: Invitae Variant Classification Sherloc (09022015). Collection method: clinical testing. Allele origin: germline.
Comment: This sequence change affects codon 518 of the PTCH1 mRNA. It is a 'silent' change, meaning that it does not change the encoded amino acid sequence of the PTCH1 protein. This variant is not present in population databases (ExAC no frequency). This variant has not been reported in the literature in individuals with PTCH1-related disease. Algorithms developed to predict the effect of sequence changes on RNA splicing suggest that this variant may create or strengthen a splice site, but this prediction has not been confirmed by published transcriptional studies. In summary, the available evidence is currently insufficient to determine the role of this variant in disease. Therefore, it has been classified as a Variant of Uncertain Significance.

NM_000264.5(PTCH1):c.1554G>A (p.Leu518=)

Gene: PTCH1 (patched 1; minus strand). Cytogenetic location: 9q22.32.
Variant type: single nucleotide variant.
Coding change: c.1554G>A on transcript NM_000264.5 (MANE Select); coding-DNA position 1554, G replaced by A.
Protein change: p.Leu518=; no amino-acid change (leucine 518 retained).
Molecular consequence: synonymous variant. On other transcripts: non-coding transcript variant (1).
Genome position (GRCh38, 1-based): chr9:95,476,807, C>T on the plus strand (G>A on the coding strand, the complement: PTCH1 is on the minus strand). VCF-style: chr9-95476807-C-T. GRCh37 (hg19) VCF-style: chr9-98239089-C-T.
Other names: c.1356G>A, p.Leu452= (NM_001083602.3); c.1551G>A, p.Leu517= (NM_001083603.3); c.1101G>A, p.Leu367= (NM_001083604.3, NM_001083605.3, NM_001083606.3 and 1 more transcripts); c.1398G>A, p.Leu466= (NM_001354918.2).
Identifiers: ClinVar variation 934356 (VCV000934356.3), dbSNP rs1841075494, ClinGen allele CA466119188.